The following is an entry in ClinVar:

NM_003467.3(CXCR4):c.39C>G (p.Thr13=)

Gene: CXCR4 (C-X-C motif chemokine receptor 4; minus strand). Cytogenetic location: 2q22.1.
Variant type: single nucleotide variant.
Coding change: c.39C>G on transcript NM_003467.3 (MANE Select); coding-DNA position 39, C replaced by G.
Protein change: p.Thr13=; no amino-acid change (threonine 13 retained).
Molecular consequence: synonymous variant. On other transcripts: 5 prime UTR variant (1).
Genome position (GRCh38, 1-based): chr2:136,115,889, G>C on the plus strand (C>G on the coding strand, the complement: CXCR4 is on the minus strand). VCF-style: chr2-136115889-G-C. GRCh37 (hg19) VCF-style: chr2-136873459-G-C.
Other names: c.51C>G, p.Thr17= (NM_001008540.2); c.252C>G, p.Thr84= (NM_001348056.2); c.138C>G, p.Thr46= (NM_001348059.2); c.-7C>G (NM_001348060.2); c.39C>G (NM_003467.2).
Identifiers: ClinVar variation 1530890 (VCV001530890.10), dbSNP rs375868851, ClinGen allele CA429206574.
Genomic context (GRCh38, chr2:136,115,889, plus strand): 5'-ATTTTCTTCACGGAAACAGGGTTCCTTCATGGAGTCATAGTCCCCTGAGCCCATTTCCTC[G>C]GTGTAGTTATCTGAAGTGTATATCTGCAAAAGAGGCAAAGGAATGGACATTCACTTCCAA-3'
Protein context (NP_003458.1, residues 3-23): GISIYTSDNY[Thr13=]EEMGSGDYDS

ClinVar aggregate classification (germline): Likely benign. Review status: criteria provided, single submitter (1 of 4 stars). 2 submissions from 2 submitters: Likely benign (1). 1 of the submissions does not count toward it. Last evaluated 2025-08-01.

Conditions:
CXCR4-related disorder. Also called: CXCR4-related condition.
Warts, hypogammaglobulinemia, infections, and myelokathexis. Also called: WHIM syndrome. Identifiers: MedGen C0472817, MONDO:0023880.

Allele frequency attached by ClinVar (database versions not stated): gnomAD 0.00001.

Submissions (2):

Labcorp Genetics (formerly Invitae), Labcorp
Classification: Likely benign for Warts, hypogammaglobulinemia, infections, and myelokathexis. Last evaluated: 2025-08-01. Review status: criteria provided, single submitter. Criteria: Invitae Variant Classification Sherloc (09022015). Collection method: clinical testing. Allele origin: germline.

PreventionGenetics, part of Exact Sciences
Classification: Likely benign for CXCR4-related condition. Last evaluated: 2024-01-03. Review status: no assertion criteria provided. Collection method: clinical testing. Allele origin: germline. Not counted in ClinVar's aggregate classification.
Comment: This variant is classified as likely benign based on ACMG/AMP sequence variant interpretation guidelines (Richards et al. 2015 PMID: 25741868, with internal and published modifications).